The following is an entry in ClinVar:

NM_004415.4(DSP):c.2168T>C (p.Leu723Pro)

Gene: DSP (desmoplakin; plus strand). Cytogenetic location: 6p24.3.
Variant type: single nucleotide variant.
Coding change: c.2168T>C on transcript NM_004415.4 (MANE Select); coding-DNA position 2168, T replaced by C.
Protein change: p.Leu723Pro; replaces leucine 723 with proline.
Molecular consequence: missense variant.
Genome position (GRCh38, 1-based): chr6:7,574,123, T>C. VCF-style: chr6-7574123-T-C. GRCh37 (hg19) VCF-style: chr6-7574356-T-C.
Other names: c.2168T>C (LRG_423t1); c.2168T>C, p.Leu723Pro (NM_001008844.3, NM_001319034.2); short protein forms L723P.
Identifiers: ClinVar variation 518887 (VCV000518887.8), dbSNP rs1554107443, ClinGen allele CA362680716.

ClinVar aggregate classification (germline): Uncertain significance. Review status: criteria provided, multiple submitters, no conflicts (2 of 4 stars). 2 submissions from 2 submitters: Uncertain significance (2). Last evaluated 2023-08-07.

Conditions:
Cardiovascular phenotype. Identifiers: MedGen CN230736.
Cardiomyopathy (CMYO). Also called: Cardiomyopathies. Identifiers: Orphanet 167848, MedGen C0878544, MONDO:0004994, HP:0001638. Inheritance: Various modes of inheritance.

Submissions (2):

Color Diagnostics, LLC DBA Color Health
Classification: Uncertain significance for Cardiomyopathy. Last evaluated: 2023-08-07. Review status: criteria provided, single submitter. Criteria: ACMG Guidelines, 2015. Collection method: clinical testing. Allele origin: germline.
Comment: This missense variant replaces leucine with proline at codon 723 of the DSP protein. Computational prediction suggests that this variant may have deleterious impact on protein structure and function (internally defined REVEL score threshold >= 0.7, PMID: 27666373). To our knowledge, functional studies have not been reported for this variant. This variant has not been reported in individuals affected with DSP-related disorders in the literature. This variant has not been identified in the general population by the Genome Aggregation Database (gnomAD). The available evidence is insufficient to determine the role of this variant in disease conclusively. Therefore, this variant is classified as a Variant of Uncertain Significance.

Ambry Genetics
Classification: Uncertain significance for Cardiovascular phenotype. Last evaluated: 2022-12-21. Review status: criteria provided, single submitter. Criteria: Ambry Variant Classification Scheme 2023. Collection method: clinical testing. Allele origin: germline.
Comment: The p.L723P variant (also known as c.2168T>C), located in coding exon 16 of the DSP gene, results from a T to C substitution at nucleotide position 2168. The leucine at codon 723 is replaced by proline, an amino acid with similar properties. This amino acid position is highly conserved in available vertebrate species. In addition, this alteration is predicted to be deleterious by in silico analysis. Since supporting evidence is limited at this time, the clinical significance of this alteration remains unclear.